The following is an entry in ClinVar:

ClinVar aggregate classification (germline): Uncertain significance (1 of 4 stars; one submission).

Conditions:
Inborn genetic diseases. Identifiers: MedGen C0950123, MeSH D030342.

Submission:

Ambry Genetics
Classification: Uncertain significance for Inborn genetic diseases. Last evaluated: 2022-11-03. Review status: criteria provided, single submitter. Criteria: Ambry Variant Classification Scheme 2023. Collection method: clinical testing. Allele origin: germline.
Comment: The p.I614V variant (also known as c.1840A>G), located in coding exon 16 of the LRRK2 gene, results from an A to G substitution at nucleotide position 1840. The isoleucine at codon 614 is replaced by valine, an amino acid with highly similar properties. This amino acid position is conserved. In addition, this alteration is predicted to be tolerated by in silico analysis. Since supporting evidence is limited at this time, the clinical significance of this alteration remains unclear.

NM_198578.4(LRRK2):c.1840A>G (p.Ile614Val)

Gene: LRRK2 (leucine rich repeat kinase 2; plus strand). Cytogenetic location: 12q12.
Variant type: single nucleotide variant.
Coding change: c.1840A>G on transcript NM_198578.4 (MANE Select); coding-DNA position 1840, A replaced by G.
Protein change: p.Ile614Val; replaces isoleucine 614 with valine.
Molecular consequence: missense variant.
Genome position (GRCh38, 1-based): chr12:40,274,892, A>G. VCF-style: chr12-40274892-A-G. GRCh37 (hg19) VCF-style: chr12-40668694-A-G.
Other names: short protein forms I614V.
Identifiers: ClinVar variation 2453008 (VCV002453008.2), dbSNP rs751678660, ClinGen allele CA384403386.